The following is an entry in ClinVar:

NM_004304.5(ALK):c.1381del (p.Cys461fs)

Gene: ALK (ALK receptor tyrosine kinase; minus strand). Cytogenetic location: 2p23.2.
Variant type: Deletion.
Coding change: c.1381del on transcript NM_004304.5 (MANE Select); coding-DNA position 1381, one base deleted (T; older notation c.1381delT).
Protein change: p.Cys461fs; shifts the reading frame from cysteine 461.
Molecular consequence: frameshift variant.
Genome position (GRCh38, 1-based): chr2:29,328,383, A deleted on the plus strand (T on the coding strand, the reverse complement: ALK is on the minus strand). VCF-style (leftmost placement, unchanged base first): chr2-29328382-CA-C. GRCh37 (hg19) VCF-style: chr2-29551248-CA-C.
Other names: short protein forms C461fs.
Identifiers: ClinVar variation 1994650 (VCV001994650.4), dbSNP rs2465459269, ClinGen allele CA2580066335.

ClinVar aggregate classification (germline): Uncertain significance (1 of 4 stars; one submission).

Conditions:
Neuroblastoma, susceptibility to, 3. Also called: ALK-Related Neuroblastic Tumor Susceptibility. Identifiers: Orphanet 635, MedGen C2751681, MONDO:0013083, OMIM 613014.

Submission:

Labcorp Genetics (formerly Invitae), Labcorp
Classification: Uncertain significance for Neuroblastoma, susceptibility to, 3. Last evaluated: 2022-05-15. Review status: criteria provided, single submitter. Criteria: Invitae Variant Classification Sherloc (09022015). Collection method: clinical testing. Allele origin: germline.
Comment: This variant has not been reported in the literature in individuals affected with ALK-related conditions. In summary, the available evidence is currently insufficient to determine the role of this variant in disease. Therefore, it has been classified as a Variant of Uncertain Significance. This variant is not present in population databases (gnomAD no frequency). This sequence change creates a premature translational stop signal (p.Cys461Valfs*46) in the ALK gene. It is expected to result in an absent or disrupted protein product. However, the current clinical and genetic evidence is not sufficient to establish whether loss-of-function variants in ALK cause disease.